The following is an entry in ClinVar:

NM_006766.5(KAT6A):c.1044-4T>G

Gene: KAT6A (lysine acetyltransferase 6A; minus strand). Cytogenetic location: 8p11.21.
Variant type: single nucleotide variant.
Coding change: c.1044-4T>G on transcript NM_006766.5 (MANE Select); 4 bases into the intron before coding-DNA position 1044, T replaced by G.
Molecular consequence: intron variant.
Genome position (GRCh38, 1-based): chr8:41,977,331, A>C on the plus strand (T>G on the coding strand, the complement: KAT6A is on the minus strand). VCF-style: chr8-41977331-A-C. GRCh37 (hg19) VCF-style: chr8-41834849-A-C.
Other names: c.1044-4T>G (NM_001305878.2).
Identifiers: ClinVar variation 1941299 (VCV001941299.6), dbSNP rs2486808111, ClinGen allele CA2580078298.
Genomic context (GRCh38, chr8:41,977,331, plus strand): 5'-TTTCGTTTCCTACCCCTTCCAGGGCCAGTTCGAACTTTGCTGAAGGGACCTTTTGATCTA[A>C]ACAATTAAACAGGGGAAAGGGTAAGTATTAAAAAAGATACTTGTAAGGTTCCTTTTTAAT-3'

ClinVar aggregate classification (germline): Conflicting classifications of pathogenicity. Review status: criteria provided, conflicting classifications (1 of 4 stars). 2 submissions from 2 submitters: Uncertain significance (1); Likely benign (1). Last evaluated 2024-12-30.

Submissions (2):

Labcorp Genetics (formerly Invitae), Labcorp
Classification: Likely benign. Last evaluated: 2024-12-30. Review status: criteria provided, single submitter. Criteria: Invitae Variant Classification Sherloc (09022015). Collection method: clinical testing. Allele origin: germline.

Women's Health and Genetics/Laboratory Corporation of America, LabCorp
Classification: Uncertain significance. Last evaluated: 2024-12-02. Review status: criteria provided, single submitter. Criteria: LabCorp Variant Classification Summary - May 2015. Collection method: clinical testing. Allele origin: germline.
Comment: Variant summary: KAT6A c.1044-4T>G alters a non-conserved nucleotide located close to a canonical splice site and therefore could affect mRNA splicing, leading to a significantly altered protein sequence. Consensus agreement among computation tools predict no significant impact on normal splicing. However, these predictions have yet to be confirmed by functional studies. The variant was absent in 244166 control chromosomes. The available data on variant occurrences in the general population are insufficient to allow any conclusion about variant significance. To our knowledge, no occurrence of c.1044-4T>G in individuals affected with Arboleda-Tham Syndrome and no experimental evidence demonstrating its impact on protein function have been reported. ClinVar contains an entry for this variant (Variation ID: 1941299). Based on the evidence outlined above, the variant was classified as uncertain significance.